The following is an entry in ClinVar:

ClinVar aggregate classification (germline): Conflicting classifications of pathogenicity. Review status: criteria provided, conflicting classifications (1 of 4 stars). 5 submissions from 5 submitters: Pathogenic (1); Likely pathogenic (1); Uncertain significance (3). Last evaluated 2025-05-05.

Conditions:
Retinitis pigmentosa (RP). Identifiers: Orphanet 791, MedGen C0035334, MeSH D012174, MONDO:0019200, OMIM 268000. Inheritance: Autosomal dominant, autosomal recessive and X linked inheritance.
Leber congenital amaurosis 8 (LCA8). Identifiers: Orphanet 65, MedGen C3151202, MONDO:0013453, OMIM 613835.

gnomAD v4.1: 1 of 1,614,054 alleles (0.000062%); no homozygotes.

Submissions (5):

Women's Health and Genetics/Laboratory Corporation of America, LabCorp
Classification: Uncertain significance. Last evaluated: 2025-05-05. Review status: criteria provided, single submitter. Criteria: LabCorp Variant Classification Summary - May 2015. Collection method: clinical testing. Allele origin: germline.
Comment: Variant summary: CRB1 c.2783G>A (p.Cys928Tyr) results in a non-conservative amino acid change in the encoded protein sequence. Algorithms developed to predict the effect of missense changes on protein structure and function all suggest that this variant is likely to be disruptive. The variant was absent in 251292 control chromosomes (gnomAD). c.2783G>A has been observed in an individual(s) affected with retinitis pigmentosa (Beheshtian_2015). These data indicate that the variant may be associated with disease. To our knowledge, no experimental evidence demonstrating an impact on protein function has been reported. The following publication has been ascertained in the context of this evaluation (PMID: 26497376). ClinVar contains an entry for this variant (Variation ID: 191357). Based on the evidence outlined above, the variant was classified as VUS-possibly pathogenic.

Lab De Baere, Eye and Developmental Genetics Lab, Ghent University
Classification: Uncertain significance for Retinitis pigmentosa. Last evaluated: 2024-10-01. Review status: criteria provided, single submitter. Criteria: ACMG Guidelines, 2015. Collection method: research. Allele origin: inherited. Affected: yes. Observed: 1 variant allele.
Comment: ACMG/AMP guidelines: PM2, PP5, PP3

Baylor Genetics
Classification: Likely pathogenic for Leber congenital amaurosis 8. Last evaluated: 2023-03-26. Review status: criteria provided, single submitter. Criteria: ACMG Guidelines, 2015. Collection method: clinical testing. Allele origin: unknown.

Blueprint Genetics
Classification: Uncertain significance. Last evaluated: 2019-05-17. Review status: criteria provided, single submitter. Criteria: ACMG Guidelines, 2015. Collection method: clinical testing. Allele origin: germline.

Genetics Research Center, University of Social Welfare and Rehabilitation Sciences
Classification: Pathogenic for Retinitis pigmentosa. Last evaluated: 2015-01-01. Review status: criteria provided, single submitter. Criteria: Submitter's publication. Collection method: research. Allele origin: germline. Affected: yes. Observed: 4 variant alleles. Study: Retinitis Pigmentosa.
Comment: Identification of disease-causing mutations in Iranian patients with autosomal recessive retinitis pigmentosa

Literature cited by the submitters: PubMed 26497376 (cited by Women's Health and Genetics/Laboratory Corporation of America, LabCorp).

NM_201253.3(CRB1):c.2783G>A (p.Cys928Tyr)

Gene: CRB1 (crumbs cell polarity complex component 1; plus strand). Cytogenetic location: 1q31.3.
Variant type: single nucleotide variant.
Coding change: c.2783G>A on transcript NM_201253.3 (MANE Select); coding-DNA position 2783, G replaced by A.
Protein change: p.Cys928Tyr; replaces cysteine 928 with tyrosine.
Molecular consequence: missense variant. On other transcripts: non-coding transcript variant (2), intron variant (1).
Genome position (GRCh38, 1-based): chr1:197,429,555, G>A. VCF-style: chr1-197429555-G-A. GRCh37 (hg19) VCF-style: chr1-197398685-G-A.
Other names: c.2447G>A, p.Cys816Tyr (NM_001193640.2); c.2711G>A, p.Cys904Tyr (NM_001257965.2); c.2129-6045G>A (NM_001257966.2); short protein forms C904Y, C928Y, C816Y.
Identifiers: ClinVar variation 191357 (VCV000191357.5), dbSNP rs863223341, ClinGen allele CA279259.
Genomic context (GRCh38, chr1:197,429,555, plus strand): 5'-ACTTCTCCTGTTCCTGTCCTGCCCTCACAAGTGGGAAAGCCTGTGAGGAGGTTCAGTGGT[G>A]TGGATTCAGCCCGTGTCCTCACGGAGCCCAGTGCCAGCCGGTGCTTCAAGGATTTGAATG-3'
Protein context (NP_957705.1, residues 918-938): SGKACEEVQW[Cys928Tyr]GFSPCPHGAQ